The following is an entry in ClinVar:

ClinVar aggregate classification (germline): Uncertain significance (1 of 4 stars; one submission).

Conditions:
Bethlem myopathy 1A. Also called: Bethlem Muscular Dystrophy; Bethlem myopathy 1; MYOPATHY, BENIGN CONGENITAL, WITH CONTRACTURES. Identifiers: Orphanet 610, MedGen CN029274, MONDO:0024530, OMIM 158810.

Allele frequency attached by ClinVar (database versions not stated): gnomAD exomes 0.00001.
gnomAD v4.1: 13 of 1,613,766 alleles (0.00081%); highest among the groups gnomAD compares: Non-Finnish European, 0.0011%; no homozygotes.

Submission:

Labcorp Genetics (formerly Invitae), Labcorp
Classification: Uncertain significance for Bethlem myopathy 1A. Last evaluated: 2025-12-29. Review status: criteria provided, single submitter. Criteria: Invitae Variant Classification Sherloc (09022015). Collection method: clinical testing. Allele origin: germline.
Comment: This sequence change replaces valine, which is neutral and non-polar, with methionine, which is neutral and non-polar, at codon 249 of the COL6A2 protein (p.Val249Met). This variant is present in population databases (no rsID available, gnomAD 0.0009%). This variant has not been reported in the literature in individuals affected with COL6A2-related conditions. ClinVar contains an entry for this variant (Variation ID: 966651). Invitae Evidence Modeling of protein sequence and biophysical properties (such as structural, functional, and spatial information, amino acid conservation, physicochemical variation, residue mobility, and thermodynamic stability) indicates that this missense variant is not expected to disrupt COL6A2 protein function with a negative predictive value of 80%. In summary, the available evidence is currently insufficient to determine the role of this variant in disease. Therefore, it has been classified as a Variant of Uncertain Significance.

NM_001849.4(COL6A2):c.745G>A (p.Val249Met)

Gene: COL6A2 (collagen type VI alpha 2 chain; plus strand). Cytogenetic location: 21q22.3.
Variant type: single nucleotide variant.
Coding change: c.745G>A on transcript NM_001849.4 (MANE Select); coding-DNA position 745, G replaced by A.
Protein change: p.Val249Met; replaces valine 249 with methionine.
Molecular consequence: missense variant.
Genome position (GRCh38, 1-based): chr21:46,114,017, G>A. VCF-style: chr21-46114017-G-A. GRCh37 (hg19) VCF-style: chr21-47533931-G-A.
Other names: c.745G>A, p.Val249Met (NM_058174.3, NM_058175.3); short protein forms V249M.
Identifiers: ClinVar variation 966651 (VCV000966651.10), dbSNP rs1454103225, ClinGen allele CA410523398.